The following is an entry in ClinVar:

ClinVar aggregate classification (germline): Uncertain significance (1 of 4 stars; one submission).

Conditions:
Capillary malformation-arteriovenous malformation syndrome. Also called: Capillary malformation-arteriovenous malformation. Identifiers: Orphanet 137667, MedGen C1842180, MONDO:0012016.

Submission:

Labcorp Genetics (formerly Invitae), Labcorp
Classification: Uncertain significance for Capillary malformation-arteriovenous malformation syndrome. Last evaluated: 2025-10-13. Review status: criteria provided, single submitter. Criteria: Invitae Variant Classification Sherloc (09022015). Collection method: clinical testing. Allele origin: germline.
Comment: This sequence change replaces leucine, which is neutral and non-polar, with valine, which is neutral and non-polar, at codon 52 of the RASA1 protein (p.Leu52Val). This variant is not present in population databases (gnomAD no frequency). This variant has not been reported in the literature in individuals affected with RASA1-related conditions. ClinVar contains an entry for this variant (Variation ID: 2719789). An algorithm developed to predict the effect of missense changes on protein structure and function (PolyPhen-2) suggests that this variant is likely to be tolerated. In summary, the available evidence is currently insufficient to determine the role of this variant in disease. Therefore, it has been classified as a Variant of Uncertain Significance.

NM_002890.3(RASA1):c.154C>G (p.Leu52Val)

Gene: RASA1 (RAS p21 protein activator 1; plus strand). Cytogenetic location: 5q14.3.
Variant type: single nucleotide variant.
Coding change: c.154C>G on transcript NM_002890.3 (MANE Select); coding-DNA position 154, C replaced by G.
Protein change: p.Leu52Val; replaces leucine 52 with valine.
Molecular consequence: missense variant.
Genome position (GRCh38, 1-based): chr5:87,268,605, C>G. VCF-style: chr5-87268605-C-G. GRCh37 (hg19) VCF-style: chr5-86564422-C-G.
Other names: short protein forms L52V.
Identifiers: ClinVar variation 2719789 (VCV002719789.3), dbSNP rs1389954374, ClinGen allele CA360416877.
Genomic context (GRCh38, chr5:87,268,605, plus strand): 5'-GCAGTGTGTCGGGTGAAGATACCCGCGGCCCTGCCTGTGGCAGCCGCCCCCTATCCTGGG[C>G]TGGTGGAGACCGGAGTGGCTGGAACTCTGGGTGGCGGAGCCGCTTTGGGGTCAGAGTTCC-3'
Protein context (NP_002881.1, residues 42-62): LPVAAAPYPG[Leu52Val]VETGVAGTLG